The following is an entry in ClinVar:

NM_003060.4(SLC22A5):c.1354G>A (p.Glu452Lys)

Gene: SLC22A5 (solute carrier family 22 member 5; plus strand). Cytogenetic location: 5q31.1.
Variant type: single nucleotide variant.
Coding change: c.1354G>A on transcript NM_003060.4 (MANE Select); coding-DNA position 1354, G replaced by A.
Protein change: p.Glu452Lys; replaces glutamic acid 452 with lysine.
Molecular consequence: missense variant.
Genome position (GRCh38, 1-based): chr5:132,392,519, G>A. VCF-style: chr5-132392519-G-A. GRCh37 (hg19) VCF-style: chr5-131728211-G-A.
Other names: c.1426G>A, p.Glu476Lys (NM_001308122.2); short protein forms E476K.
Identifiers: ClinVar variation 25421 (VCV000025421.53), dbSNP rs72552734, ClinGen allele CA234953.

ClinVar aggregate classification (germline): Conflicting classifications of pathogenicity. Review status: criteria provided, conflicting classifications (1 of 4 stars). 10 submissions from 10 submitters: Pathogenic (6); Likely pathogenic (2); Uncertain significance (1). 1 of the submissions does not count toward it. Last evaluated 2026-02-23.

Conditions:
Carnitine deficiency. Identifiers: MedGen C1142132.
SLC22A5-related disorder. Also called: SLC22A5-related condition.
Renal carnitine transport defect (CDSP). Also called: CARNITINE DEFICIENCY, SYSTEMIC, DUE TO DEFECT IN RENAL REABSORPTION OF CARNITINE; CARNITINE TRANSPORTER, PLASMA-MEMBRANE, DEFICIENCY OF; CARNITINE UPTAKE DEFECT; Primary carnitine deficiency; Carnitine transporter deficiency; Systemic primary carnitine deficiency disease. Identifiers: Orphanet 158, MedGen C0342788, MONDO:0008919, OMIM 212140.

Allele frequency attached by ClinVar (database versions not stated): gnomAD 0.00001 and 0.00002; TOPMed 0.00002; gnomAD exomes 0.00003; ExAC 0.00005.
gnomAD v4.1: 52 of 1,613,878 alleles (0.0032%); highest among the groups gnomAD compares: South Asian, 0.013%; no homozygotes.

Submissions (10):

PreventionGenetics, part of Exact Sciences
Classification: Pathogenic for SLC22A5-related condition. Last evaluated: 2026-02-23. Review status: criteria provided, single submitter. Criteria: ACMG Guidelines, 2015. Collection method: clinical testing. Allele origin: germline.
Comment: The SLC22A5 c.1354G>A variant is predicted to result in the amino acid substitution p.Glu452Lys. This variant has been reported in the homozygous and compound heterozygous states in patients with primary carnitine deficiency (Wang et al. 2000. PubMed ID: 10679939; Deswal et al. 2016. PubMed ID: 27581592; Frigeni et al. 2017. PubMed ID: 28841266). The p.Glu452Lys has been reported to only have ~2% transport activity in comparison to wild-type (Frigeni et al. 2017. PubMed ID: 28841266). This variant is reported in 0.013% of alleles in individuals of South Asian descent in gnomAD. This variant is interpreted as pathogenic.

Labcorp Genetics (formerly Invitae), Labcorp
Classification: Pathogenic for Renal carnitine transport defect. Last evaluated: 2025-11-26. Review status: criteria provided, single submitter. Criteria: Invitae Variant Classification Sherloc (09022015). Collection method: clinical testing. Allele origin: germline.
Comment: This sequence change replaces glutamic acid, which is acidic and polar, with lysine, which is basic and polar, at codon 452 of the SLC22A5 protein (p.Glu452Lys). This variant is present in population databases (rs72552734, gnomAD 0.01%). This missense change has been observed in individual(s) with primary carnitine deficiency (PMID: 10679939, 20574985, 27581592). ClinVar contains an entry for this variant (Variation ID: 25421). Invitae Evidence Modeling of protein sequence and biophysical properties (such as structural, functional, and spatial information, amino acid conservation, physicochemical variation, residue mobility, and thermodynamic stability) indicates that this missense variant is expected to disrupt SLC22A5 protein function with a positive predictive value of 95%. Experimental studies have shown that this missense change affects SLC22A5 function (PMID: 10679939). For these reasons, this variant has been classified as Pathogenic.

Natera, Inc.
Classification: Pathogenic for Carnitine deficiency. Last evaluated: 2025-06-30. Review status: criteria provided, single submitter. Criteria: Natera Variant Classification Schema (03/2026). Collection method: clinical testing. Allele origin: germline.
Comment: The c.1354G>A variant in SLC22A5 is a missense variant predicted to cause substitution of glutamic acid to lysine at amino acid 452. This variant is rare in the general population with a frequency below the threshold expected for the associated phenotype(s). This variant has been observed in one or more individuals affected with the associated recessive disease, as either homozygous or compound heterozygous with a second variant (PMID: 10679939, 28841266, 27581592, 20574985, 28711408). This variant has been identified in one or more affected individuals with a phenotype highly consistent with the associated gene (PMID: 10679939, 28841266, 27581592, 20574985, 28711408). Functional studies show that this variant may disrupt protein function (PMID: 1067993, 10783384, 16652335). Computational prediction algorithms indicate this variant is likely to affect gene or protein function. Given the available evidence, this variant is classified as Pathogenic.

Fulgent Genetics
Classification: Likely pathogenic for Renal carnitine transport defect. Last evaluated: 2024-06-06. Review status: criteria provided, single submitter. Criteria: ACMG Guidelines, 2015. Collection method: clinical testing. Allele origin: germline.

GeneDx
Classification: Pathogenic. Last evaluated: 2024-02-23. Review status: criteria provided, single submitter. Criteria: GeneDx Variant Classification Process June 2021. Collection method: clinical testing. Allele origin: germline. Affected: yes.
Comment: Published functional studies demonstrate 24% of wild type transporter (PMID: 10679939); Not observed at a significant frequency in large population cohorts (gnomAD); In silico analysis supports that this missense variant has a deleterious effect on protein structure/function; This variant is associated with the following publications: (PMID: 34637945, 28711408, 10679939, 15714519, 27581592, 16652335, 20574985, 28841266, 32778825, 35853679)

CeGaT Center for Human Genetics Tuebingen
Classification: Pathogenic. Last evaluated: 2023-05-01. Review status: criteria provided, single submitter. Criteria: CeGaT Center For Human Genetics Tuebingen Variant Classification Criteria Version 2. Collection method: clinical testing. Allele origin: germline. Affected: yes. Observed: 4 variant alleles.
Comment: SLC22A5: PP4:Strong, PM2, PM3, PP3, PS3:Supporting

Genome-Nilou Lab
Classification: Likely pathogenic for Renal carnitine transport defect. Last evaluated: 2021-07-15. Review status: criteria provided, single submitter. Criteria: ACMG Guidelines, 2015. Collection method: clinical testing. Allele origin: germline. Affected: no.

Women's Health and Genetics/Laboratory Corporation of America, LabCorp
Classification: Pathogenic for Renal carnitine transport defect. Last evaluated: 2020-08-07. Review status: criteria provided, single submitter. Criteria: LabCorp Variant Classification Summary - May 2015. Collection method: clinical testing. Allele origin: germline.
Comment: Variant summary: SLC22A5 c.1354G>A (p.Glu452Lys) results in a conservative amino acid change located in the Major facilitator superfamily domain (IPR020846) of the encoded protein sequence. Four of five in-silico tools predict a damaging effect of the variant on protein function. The variant allele was found at a frequency of 2.8e-05 in 251480 control chromosomes. c.1354G>A has been reported in the literature in individuals affected with Systemic Primary Carnitine Deficiency (example, Li_2010, Deswal_2017, Frigeni_2017, Wang_2000). These data indicate that the variant is likely to be associated with disease. Several publications report experimental evidence evaluating an impact on protein function (example Frigeni_2017, Wang_2000). The most pronounced variant effect results in <10% of normal carnitine transport activity. Two clinical diagnostic laboratories have submitted clinical-significance assessments for this variant to ClinVar after 2014 without evidence for independent evaluation. Both laboratories have recently classified/re-classified the variant as pathogenic. Based on the evidence outlined above, the variant was classified as pathogenic.

Eurofins Ntd Llc (ga)
Classification: Uncertain significance. Last evaluated: 2015-06-23. Review status: criteria provided, single submitter. Criteria: EGL Classification Definitions 2015. Collection method: clinical testing. Allele origin: germline. Observed: 2 variant alleles, 2 heterozygotes.

Counsyl
Classification: Likely pathogenic for Renal carnitine transport defect. Last evaluated: 2014-03-13. Review status: no assertion criteria provided. Collection method: literature only. Allele origin: unknown. Inheritance: Autosomal recessive inheritance. Not counted in ClinVar's aggregate classification.

Literature cited by the submitters: PubMed 10679939 (cited by 5 submitters); PubMed 20574985 (cited by 5 submitters); PubMed 27581592 (cited by 3 submitters); PubMed 28841266 (cited by Natera, Inc. and Women's Health and Genetics/Laboratory Corporation of America, LabCorp); PubMed 28711408 (cited by Natera, Inc.); PubMed 1067993 (cited by Natera, Inc.); PubMed 10783384 (cited by Natera, Inc.); PubMed 16652335 (cited by 3 submitters).